The following is an entry in ClinVar:

NM_022124.6(CDH23):c.4687_4688del (p.Leu1563fs)

Gene: CDH23 (cadherin related 23; plus strand). Cytogenetic location: 10q22.1.
Variant type: Deletion.
Coding change: c.4687_4688del on transcript NM_022124.6 (MANE Select); coding-DNA positions 4687 to 4688, 2 bases deleted (CT; older notation c.4687_4688delCT).
Protein change: p.Leu1563fs; shifts the reading frame from leucine 1563.
Molecular consequence: frameshift variant.
Genome position (GRCh38, 1-based): chr10:71,741,763-71,741,764, CT deleted; deleting any 2 consecutive bases within chr10:71,741,762-71,741,764 gives the same sequence; the c. name uses the placement nearest the transcript's 3' end. VCF-style (leftmost placement, unchanged base first): chr10-71741761-TTC-T. GRCh37 (hg19) VCF-style: chr10-73501518-TTC-T.
Other names: short protein forms L1563fs.
Identifiers: ClinVar variation 3601367 (VCV003601367.1).

ClinVar aggregate classification (germline): Likely pathogenic (1 of 4 stars; one submission).

Conditions:
Autosomal recessive nonsyndromic hearing loss 12. Also called: DEAFNESS, AUTOSOMAL RECESSIVE 12. Identifiers: Orphanet 90636, MedGen C1832394, MONDO:0011067, OMIM 601386.

Submission:

Institute of Rare Diseases, West China Hospital, Sichuan University
Classification: Likely pathogenic for Autosomal recessive nonsyndromic hearing loss 12. Last evaluated: 2025-01-09. Review status: criteria provided, single submitter. Criteria: ClinGen HL ACMG Specifications v1. Collection method: research. Allele origin: germline. Affected: yes.
Comment: PVS1;PM2_Supporting